The following is an entry in ClinVar:

ClinVar aggregate classification (germline): Uncertain significance (0 of 4 stars; one submission).

Conditions:
VPS13B-related disorder. Also called: VPS13B-related condition.

Submission:

PreventionGenetics, part of Exact Sciences
Classification: Uncertain significance for VPS13B-related condition. Last evaluated: 2024-01-03. Review status: no assertion criteria provided. Collection method: clinical testing. Allele origin: germline.
Comment: The VPS13B c.7676T>A variant is predicted to result in the amino acid substitution p.Val2559Glu. To our knowledge, this variant has not been reported in the literature or in a large population database, indicating this variant is rare. At this time, the clinical significance of this variant is uncertain due to the absence of conclusive functional and genetic evidence.

NM_152564.5(VPS13B):c.7676T>A (p.Val2559Glu)

Gene: VPS13B (vacuolar protein sorting 13 homolog B; plus strand). Cytogenetic location: 8q22.2.
Variant type: single nucleotide variant.
Coding change: c.7676T>A on transcript NM_152564.5 (MANE Select); coding-DNA position 7676, T replaced by A.
Protein change: p.Val2559Glu; replaces valine 2559 with glutamic acid.
Molecular consequence: missense variant.
Genome position (GRCh38, 1-based): chr8:99,778,928, T>A. VCF-style: chr8-99778928-T-A. GRCh37 (hg19) VCF-style: chr8-100791156-T-A.
Other names: c.7751T>A, p.Val2584Glu (NM_017890.5); short protein forms V2559E, V2584E.
Identifiers: ClinVar variation 3349565 (VCV003349565.1).